The following is an entry in ClinVar:

NM_001370785.2(LRRC7):c.1585G>C (p.Gly529Arg)

Gene: LRRC7 (leucine rich repeat containing 7; plus strand). Cytogenetic location: 1p31.1.
Variant type: single nucleotide variant.
Coding change: c.1585G>C on transcript NM_001370785.2 (MANE Select); coding-DNA position 1585, G replaced by C.
Protein change: p.Gly529Arg; replaces glycine 529 with arginine.
Molecular consequence: missense variant.
Genome position (GRCh38, 1-based): chr1:70,023,165, G>C. VCF-style: chr1-70023165-G-C. GRCh37 (hg19) VCF-style: chr1-70488848-G-C.
Other names: NM_020794.2:c.1471G>C; c.1486G>C, p.Gly496Arg (NM_001330635.3, NM_001366839.3, NM_001366841.1); c.1588G>C, p.Gly530Arg (NM_001350216.3); c.1585G>C, p.Gly529Arg (NM_001366838.3); short protein forms G496R, G529R, G530R.
Identifiers: ClinVar variation 5017509 (VCV005017509.1).

ClinVar aggregate classification (germline): Uncertain significance (1 of 4 stars; one submission).

Submission:

GeneDx
Classification: Uncertain significance. Last evaluated: 2026-03-26. Review status: criteria provided, single submitter. Criteria: GeneDx Variant Classification Process June 2021. Collection method: clinical testing. Allele origin: germline.
Comment: Not observed at significant frequency in large population cohorts (gnomAD); In silico analysis suggests that this missense variant does not alter protein structure/function; Has not been previously published as pathogenic or benign to our knowledge